The following is an entry in ClinVar:

ClinVar aggregate classification (germline): Likely benign (1 of 4 stars; one submission).

Submission:

CeGaT Center for Human Genetics Tuebingen
Classification: Likely benign. Last evaluated: 2024-10-01. Review status: criteria provided, single submitter. Criteria: CeGaT Center For Human Genetics Tuebingen Variant Classification Criteria Version 2. Collection method: clinical testing. Allele origin: germline. Affected: yes. Observed: 1 variant allele.
Comment: NFX1: PM2:Supporting, BP4, BP7

NM_002504.6(NFX1):c.216T>C (p.Ser72=)

Gene: NFX1 (nuclear transcription factor, X-box binding 1; plus strand). Cytogenetic location: 9p13.3.
Variant type: single nucleotide variant.
Coding change: c.216T>C on transcript NM_002504.6 (MANE Select); coding-DNA position 216, T replaced by C.
Protein change: p.Ser72=; no amino-acid change (serine 72 retained).
Molecular consequence: synonymous variant.
Genome position (GRCh38, 1-based): chr9:33,294,610, T>C. VCF-style: chr9-33294610-T-C. GRCh37 (hg19) VCF-style: chr9-33294608-T-C.
Other names: c.216T>C, p.Ser72= (NM_001318758.2, NM_147134.4).
Identifiers: ClinVar variation 3389927 (VCV003389927.14).
Genomic context (GRCh38, chr9:33,294,610, plus strand): 5'-TCCCTGTCACCTTTCCAGGCAGGTCCCTTATGATGAAATCTCTGCTGTTCATCAGCATAG[T>C]TATCATCCGTCAGGAAGCAAACCTAAGAGTCAGCAGACGTCTTTCCAGTCCTCTCCTTGT-3'
Protein context (NP_002495.2, residues 62-82): YDEISAVHQH[Ser72=]YHPSGSKPKS